The following is an entry in ClinVar:

NM_000400.4(ERCC2):c.1039C>G (p.Gln347Glu)

Gene: ERCC2 (ERCC excision repair 2, TFIIH core complex helicase subunit; minus strand). Cytogenetic location: 19q13.32.
Variant type: single nucleotide variant.
Coding change: c.1039C>G on transcript NM_000400.4 (MANE Select); coding-DNA position 1039, C replaced by G.
Protein change: p.Gln347Glu; replaces glutamine 347 with glutamic acid.
Molecular consequence: missense variant.
Genome position (GRCh38, 1-based): chr19:45,363,822, G>C on the plus strand (C>G on the coding strand, the complement: ERCC2 is on the minus strand). VCF-style: chr19-45363822-G-C. GRCh37 (hg19) VCF-style: chr19-45867080-G-C.
Other names: c.967C>G, p.Gln323Glu (NM_001130867.2); short protein forms Q347E, Q323E.
Identifiers: ClinVar variation 3509828 (VCV003509828.1).
Genomic context (GRCh38, chr19:45,363,822, plus strand): 5'-TGCACACGCGCTGGGCCAGGCCGCTCAGGAAGGCGGGCGGGCTCTCCTGCACCACATGCT[G>C]CACACGCAGCCGCCACTTCACGTACTCCAGCAGCCGCCTCAGGAAGCCCAGGAAATGCTC-3'
Protein context (NP_000391.1, residues 337-357): LEYVKWRLRV[Gln347Glu]HVVQESPPAF

ClinVar aggregate classification (germline): Uncertain significance (1 of 4 stars; one submission).

Conditions:
Inborn genetic diseases. Identifiers: MedGen C0950123, MeSH D030342.

Submission:

Ambry Genetics
Classification: Uncertain significance for Inborn genetic diseases. Last evaluated: 2024-07-13. Review status: criteria provided, single submitter. Criteria: Ambry Variant Classification Scheme 2023. Collection method: clinical testing. Allele origin: germline.
Comment: The p.Q347E variant (also known as c.1039C>G), located in coding exon 11 of the ERCC2 gene, results from a C to G substitution at nucleotide position 1039. The glutamine at codon 347 is replaced by glutamic acid, an amino acid with highly similar properties. This amino acid position is conserved. In addition, this alteration is predicted to be tolerated by in silico analysis. Based on the available evidence, the clinical significance of this variant remains unclear.